The following is an entry in ClinVar:

ClinVar aggregate classification (germline): Pathogenic. Review status: criteria provided, multiple submitters, no conflicts (2 of 4 stars). 4 submissions from 4 submitters: Pathogenic (4). Last evaluated 2023-11-13.

Conditions:
Neurofibromatosis, type 1 (NF1). Also called: Peripheral type neurofibromatosis; Neurofibromatosis, type I; NEUROFIBROMATOSIS, TYPE I, SOMATIC; VON RECKLINGHAUSEN DISEASE. Identifiers: Orphanet 636, MedGen C0027831, MONDO:0018975, OMIM 162200. Disease mechanism: loss of function.
Hereditary cancer-predisposing syndrome. Also called: Hereditary neoplastic syndrome; Tumor predisposition; Hereditary Cancer Syndrome; Neoplastic Syndromes, Hereditary. Identifiers: Orphanet 140162, MedGen C0027672, MeSH D009386, MONDO:0015356.
Cardiovascular phenotype. Identifiers: MedGen CN230736.

Submissions (4):

Ambry Genetics
Classification: Pathogenic for Cardiovascular phenotype; Hereditary cancer-predisposing syndrome. Last evaluated: 2023-11-13. Review status: criteria provided, single submitter. Criteria: Ambry Variant Classification Scheme 2023. Collection method: clinical testing. Allele origin: germline.
Comment: The c.1362_1364delTGG pathogenic mutation (also known as p.C454_G455delins*) is located in coding exon 12 of the NF1 gene. This variant results from an in-frame TGG deletion at nucleotide positions 1362 to 1364. This results in an insertion of an alternate stop codon in coding exon 12. This alteration is expected to result in loss of function by premature protein truncation or nonsense-mediated mRNA decay. As such, this alteration is interpreted as a disease-causing mutation.

Genome-Nilou Lab
Classification: Pathogenic for Neurofibromatosis, type 1. Last evaluated: 2022-03-15. Review status: criteria provided, single submitter. Criteria: ACMG Guidelines, 2015. Collection method: clinical testing. Allele origin: germline. Affected: no.

CeGaT Center for Human Genetics Tuebingen
Classification: Pathogenic. Last evaluated: 2022-02-01. Review status: criteria provided, single submitter. Criteria: CeGaT Center For Human Genetics Tuebingen Variant Classification Criteria Version 2. Collection method: clinical testing. Allele origin: germline. Affected: yes. Observed: 1 variant allele.

Labcorp Genetics (formerly Invitae), Labcorp
Classification: Pathogenic for Neurofibromatosis, type 1. Last evaluated: 2021-08-29. Review status: criteria provided, single submitter. Criteria: Invitae Variant Classification Sherloc (09022015). Collection method: clinical testing. Allele origin: germline.
Comment: This variant is not present in population databases (ExAC no frequency). This variant has not been reported in the literature in individuals affected with NF1-related conditions. This sequence change creates a premature translational stop signal (p.Cys454*) in the NF1 gene. It is expected to result in an absent or disrupted protein product. Loss-of-function variants in NF1 are known to be pathogenic (PMID: 10712197, 23913538). For these reasons, this variant has been classified as Pathogenic.

Literature cited by the submitters: PubMed 10712197 (cited by Labcorp Genetics (formerly Invitae), Labcorp); PubMed 23913538 (cited by Labcorp Genetics (formerly Invitae), Labcorp).

NM_001042492.3(NF1):c.1362_1364del (p.Cys454_Gly455delinsTer)

Gene: NF1 (neurofibromin 1; plus strand). Cytogenetic location: 17q11.2.
Variant type: Deletion.
Coding change: c.1362_1364del on transcript NM_001042492.3 (MANE Select); coding-DNA positions 1362 to 1364, 3 bases deleted (TGG; older notation c.1362_1364delTGG).
Protein change: p.Cys454_Gly455delinsTer.
Molecular consequence: nonsense.
Genome position (GRCh38, 1-based): chr17:31,206,341-31,206,343, TGG deleted; deleting any 3 consecutive bases within chr17:31,206,340-31,206,343 gives the same sequence; the c. name uses the placement nearest the transcript's 3' end. VCF-style (leftmost placement, unchanged base first): chr17-31206339-TGTG-T. GRCh37 (hg19) VCF-style: chr17-29533357-TGTG-T.
Other names: c.1362_1364delTGG (NM_000267.3); c.1362_1364delTGG, p.Cys454_Lys789delinsTer (NM_000267.4); c.1362_1364del, p.Cys454_Gly455delinsTer (NM_001128147.3).
Identifiers: ClinVar variation 1439729 (VCV001439729.40), dbSNP rs2143915068, ClinGen allele CA2573153621.